The following is an entry in ClinVar:

NM_005097.4(LGI1):c.1403T>C (p.Ile468Thr)

Gene: LGI1 (leucine rich glioma inactivated 1; plus strand). Cytogenetic location: 10q23.33.
Variant type: single nucleotide variant.
Coding change: c.1403T>C on transcript NM_005097.4 (MANE Select); coding-DNA position 1403, T replaced by C.
Protein change: p.Ile468Thr; replaces isoleucine 468 with threonine.
Molecular consequence: missense variant. On other transcripts: non-coding transcript variant (1), intron variant (1).
Genome position (GRCh38, 1-based): chr10:93,797,532, T>C. VCF-style: chr10-93797532-T-C. GRCh37 (hg19) VCF-style: chr10-95557289-T-C.
Other names: c.1259T>C, p.Ile420Thr (NM_001308276.2); c.839-217T>C (NM_001308275.2); short protein forms I468T, I420T.
Identifiers: ClinVar variation 2007431 (VCV002007431.4), dbSNP rs2492919741, ClinGen allele CA377629524.
Genomic context (GRCh38, chr10:93,797,532, plus strand): 5'-TGACAAGATTCATTGGTGATTCCAAAGTCATGAAATGGGGAGGCTCCTCGTTCCAGGATA[T>C]TCAGAGGATGCCATCGCGAGGATCCATGGTGTTCCAGCCTCTTCAAATAAATAATTACCA-3'
Protein context (NP_005088.1, residues 458-478): MKWGGSSFQD[Ile468Thr]QRMPSRGSMV

ClinVar aggregate classification (germline): Uncertain significance (1 of 4 stars; one submission).

Conditions:
Autosomal dominant epilepsy with auditory features. Identifiers: Orphanet 101046, MedGen C1838062, MONDO:0010898.

Allele frequency attached by ClinVar (database versions not stated): gnomAD exomes below 0.00001.
gnomAD v4.1: 1 of 1,614,204 alleles (0.000062%); highest among the groups gnomAD compares: Non-Finnish European, 0.000085%; no homozygotes.

Submission:

Labcorp Genetics (formerly Invitae), Labcorp
Classification: Uncertain significance for Autosomal dominant epilepsy with auditory features. Last evaluated: 2022-11-08. Review status: criteria provided, single submitter. Criteria: Invitae Variant Classification Sherloc (09022015). Collection method: clinical testing. Allele origin: germline.
Comment: In summary, the available evidence is currently insufficient to determine the role of this variant in disease. Therefore, it has been classified as a Variant of Uncertain Significance. Advanced modeling of protein sequence and biophysical properties (such as structural, functional, and spatial information, amino acid conservation, physicochemical variation, residue mobility, and thermodynamic stability) performed at Invitae indicates that this missense variant is not expected to disrupt LGI1 protein function. This variant has not been reported in the literature in individuals affected with LGI1-related conditions. This variant is not present in population databases (gnomAD no frequency). This sequence change replaces isoleucine, which is neutral and non-polar, with threonine, which is neutral and polar, at codon 468 of the LGI1 protein (p.Ile468Thr).